The following is an entry in ClinVar:

NM_000138.5(FBN1):c.3082+5A>T

Gene: FBN1 (fibrillin 1; minus strand). Cytogenetic location: 15q21.1.
Variant type: single nucleotide variant.
Coding change: c.3082+5A>T on transcript NM_000138.5 (MANE Select); 5 bases into the intron after coding-DNA position 3082, A replaced by T.
Molecular consequence: intron variant.
Genome position (GRCh38, 1-based): chr15:48,489,846, T>A on the plus strand (A>T on the coding strand, the complement: FBN1 is on the minus strand). VCF-style: chr15-48489846-T-A. GRCh37 (hg19) VCF-style: chr15-48782043-T-A.
Other names: c.3082+5A>T (NM_001406716.1).
Identifiers: ClinVar variation 4792078 (VCV004792078.1).

ClinVar aggregate classification (germline): Uncertain significance (1 of 4 stars; one submission).

Conditions:
Marfan syndrome (MFS). Also called: FBN1-Related Marfan Syndrome; MARFAN SYNDROME, TYPE I; Marfan syndrome type 1; Marfan's syndrome; Marfan syndrome, classic. Identifiers: Orphanet 284963, Orphanet 558, MedGen C0024796, MONDO:0007947, OMIM 154700.
Familial thoracic aortic aneurysm and aortic dissection (TAAD). Also called: Thoracic aortic aneurysms and dissections. Identifiers: Orphanet 91387, MedGen C4707243, MONDO:0019625.

Submission:

Labcorp Genetics (formerly Invitae), Labcorp
Classification: Uncertain significance for Marfan syndrome; Familial thoracic aortic aneurysm and aortic dissection. Last evaluated: 2025-04-14. Review status: criteria provided, single submitter. Criteria: Invitae Variant Classification Sherloc (09022015). Collection method: clinical testing. Allele origin: germline.
Comment: This sequence change falls in intron 25 of the FBN1 gene. It does not directly change the encoded amino acid sequence of the FBN1 protein. It affects a nucleotide within the consensus splice site. This variant is not present in population databases (gnomAD no frequency). This variant has not been reported in the literature in individuals affected with FBN1-related conditions. Variants that disrupt the consensus splice site are a relatively common cause of aberrant splicing (PMID: 17576681, 9536098). Algorithms developed to predict the effect of sequence changes on RNA splicing suggest that this variant is not likely to affect RNA splicing. In summary, the available evidence is currently insufficient to determine the role of this variant in disease. Therefore, it has been classified as a Variant of Uncertain Significance.

Literature cited by the submitters: PubMed 17576681; PubMed 9536098.